The following is an entry in ClinVar:

NM_000088.4(COL1A1):c.3531+4T>C

Gene: COL1A1 (collagen type I alpha 1 chain; minus strand). Cytogenetic location: 17q21.33.
Variant type: single nucleotide variant.
Coding change: c.3531+4T>C on transcript NM_000088.4 (MANE Select); 4 bases into the intron after coding-DNA position 3531, T replaced by C.
Molecular consequence: intron variant.
Genome position (GRCh38, 1-based): chr17:50,187,011, A>G on the plus strand (T>C on the coding strand, the complement: COL1A1 is on the minus strand). VCF-style: chr17-50187011-A-G. GRCh37 (hg19) VCF-style: chr17-48264372-A-G.
Other names: c.3531+4T>C (NM_000088.3).
Identifiers: ClinVar variation 1008844 (VCV001008844.18), dbSNP rs145251615, ClinGen allele CA8644425.

ClinVar aggregate classification (germline): Conflicting classifications of pathogenicity. Review status: criteria provided, conflicting classifications (1 of 4 stars). 6 submissions from 6 submitters: Uncertain significance (4); Likely benign (2). Last evaluated 2025-12-20.

Conditions:
Osteogenesis imperfecta type I (OI1). Also called: Osteogenesis imperfecta type 1; Lobstein's Disease; OI, TYPE I; OSTEOGENESIS IMPERFECTA TARDA; OSTEOGENESIS IMPERFECTA WITH BLUE SCLERAE; Lobstein disease. Identifiers: Orphanet 216796, Orphanet 666, MedGen C0023931, MONDO:0008146, OMIM 166200. Disease mechanism: loss of function.
Osteogenesis imperfecta with normal sclerae, dominant form (OI4). Also called: Osteogenesis imperfecta type 4; OSTEOGENESIS IMPERFECTA, TYPE IV, WITH DENTINOGENESIS IMPERFECTA; OSTEOGENESIS IMPERFECTA WITH NORMAL SCLERAE; Osteogenesis Imperfecta Type IV; Common Variable Osteogenesis Imperfecta with Normal Sclerae. Identifiers: Orphanet 216820, Orphanet 666, MedGen C0268363, MONDO:0008148, OMIM 166220.
Infantile cortical hyperostosis. Also called: P1PK BLOOD GROUP SYSTEM, P(2) PHENOTYPE; Caffey Disease; Hyperostosis, Cortical, Congenital. Identifiers: Orphanet 1310, MedGen C0020497, MONDO:0007244, OMIM 114000.
Ehlers-Danlos syndrome, arthrochalasia type. Also called: Ehlers-Danlos syndrome, arthrochalasis type; Ehlers-Danlos syndrome, arthrochalasia type, 1; EDS VII, MUTANT PROCOLLAGEN TYPE; EDS VIIA; ARTHROCHALASIS MULTIPLEX CONGENITA. Identifiers: Orphanet 1899, Orphanet 99875, Orphanet 99876, MedGen C4551623, MONDO:0007525, OMIM 130060.
Osteoporosis. Identifiers: MedGen C0029456, MONDO:0005298, OMIM 166710, HP:0000939.
Combined osteogenesis imperfecta and Ehlers-Danlos syndrome 1. Also called: OIEDS SYNDROME 1. Identifiers: MedGen C5436842, MONDO:0030854, OMIM 619115.
Osteogenesis imperfecta, perinatal lethal (OI2). Also called: Osteogenesis imperfecta type 2; VROLIK TYPE OF OSTEOGENESIS IMPERFECTA; Osteogenesis imperfecta, dominant perinatal lethal; OI, TYPE II; OSTEOGENESIS IMPERFECTA CONGENITA; OSTEOGENESIS IMPERFECTA, TYPE II. Identifiers: Orphanet 216804, MedGen C0268358, MONDO:0008147, OMIM 166210.
Osteogenesis imperfecta type III (OI3). Also called: Osteogenesis imperfecta type 3; OI type 3; Osteogenesis imperfecta, progressively deforming with normal sclerae; OI type III; Progressively Deforming Osteogenesis Imperfecta. Identifiers: Orphanet 216812, Orphanet 666, MedGen C0268362, MONDO:0009804, OMIM 259420.
Cardiovascular phenotype. Identifiers: MedGen CN230736.

Allele frequency attached by ClinVar (database versions not stated): gnomAD 0.00009 and 0.00011; TOPMed 0.00009; ExAC 0.00012; ESP Exome Variant Server 0.00023; 1000 Genomes Project 30x 0.00031; 1000 Genomes Project 0.00040; gnomAD exomes 0.00003 and 0.00006.
gnomAD v4.1: 57 of 1,613,348 alleles (0.0035%); highest among the groups gnomAD compares: African/African-American, 0.025%; no homozygotes.

Submissions (6):

Labcorp Genetics (formerly Invitae), Labcorp
Classification: Uncertain significance for Osteogenesis imperfecta type I. Last evaluated: 2025-12-20. Review status: criteria provided, single submitter. Criteria: Invitae Variant Classification Sherloc (09022015). Collection method: clinical testing. Allele origin: germline.
Comment: This sequence change falls in intron 47 of the COL1A1 gene. It does not directly change the encoded amino acid sequence of the COL1A1 protein. It affects a nucleotide within the consensus splice site. This variant is present in population databases (rs145251615, gnomAD 0.03%). This variant has not been reported in the literature in individuals affected with COL1A1-related conditions. ClinVar contains an entry for this variant (Variation ID: 1008844). Variants that disrupt the consensus splice site are a relatively common cause of aberrant splicing (PMID: 17576681, 9536098). Algorithms developed to predict the effect of sequence changes on RNA splicing suggest that this variant is not likely to affect RNA splicing. In summary, the available evidence is currently insufficient to determine the role of this variant in disease. Therefore, it has been classified as a Variant of Uncertain Significance.

CeGaT Center for Human Genetics Tuebingen
Classification: Likely benign. Last evaluated: 2025-03-01. Review status: criteria provided, single submitter. Criteria: CeGaT Center For Human Genetics Tuebingen Variant Classification Criteria Version 2. Collection method: clinical testing. Allele origin: germline. Affected: yes. Observed: 1 variant allele.
Comment: COL1A1: BP4

Blueprint Genetics
Classification: Likely benign. Last evaluated: 2024-05-23. Review status: criteria provided, single submitter. Criteria: ACMG Guidelines, 2015. Collection method: clinical testing. Allele origin: germline.

Ambry Genetics
Classification: Uncertain significance for Cardiovascular phenotype. Last evaluated: 2024-02-29. Review status: criteria provided, single submitter. Criteria: Ambry Variant Classification Scheme 2023. Collection method: clinical testing. Allele origin: germline.
Comment: The c.3531+4T>C intronic variant results from a T to C substitution 4 nucleotides after coding exon 47 in the COL1A1 gene. This nucleotide position is poorly conserved in available vertebrate species. In silico splice site analysis predicts that this alteration will not have any significant effect on splicing. Based on the available evidence, the clinical significance of this alteration remains unclear.

Fulgent Genetics
Classification: Uncertain significance for Infantile cortical hyperostosis; Ehlers-Danlos syndrome, arthrochalasia type; Osteogenesis imperfecta type I; Osteogenesis imperfecta, perinatal lethal; Osteogenesis imperfecta with normal sclerae, dominant form; Osteoporosis; Osteogenesis imperfecta type III; Combined osteogenesis imperfecta and Ehlers-Danlos syndrome 1. Last evaluated: 2021-07-27. Review status: criteria provided, single submitter. Criteria: ACMG Guidelines, 2015. Collection method: clinical testing. Allele origin: unknown.

Breakthrough Genomics
Classification: Uncertain significance. Review status: criteria provided, single submitter. Criteria: ACMG Guidelines, 2015. Collection method: not provided. Allele origin: germline. Inheritance: Autosomal dominant inheritance. Affected: yes.

Literature cited by the submitters: PubMed 17576681 (cited by Labcorp Genetics (formerly Invitae), Labcorp); PubMed 9536098 (cited by Labcorp Genetics (formerly Invitae), Labcorp).